The following is an entry in ClinVar:

NM_017866.6(TMEM70):c.618A>C (p.Lys206Asn)

Gene: TMEM70 (transmembrane protein 70; plus strand). Cytogenetic location: 8q21.11.
Variant type: single nucleotide variant.
Coding change: c.618A>C on transcript NM_017866.6 (MANE Select); coding-DNA position 618, A replaced by C.
Protein change: p.Lys206Asn; replaces lysine 206 with asparagine.
Molecular consequence: missense variant. On other transcripts: 3 prime UTR variant (1), non-coding transcript variant (1).
Genome position (GRCh38, 1-based): chr8:73,981,456, A>C. VCF-style: chr8-73981456-A-C. GRCh37 (hg19) VCF-style: chr8-74893691-A-C.
Other names: c.*308A>C (NM_001040613.3); short protein forms K206N.
Identifiers: ClinVar variation 1996095 (VCV001996095.4), dbSNP rs2536396166, ClinGen allele CA371490376.

ClinVar aggregate classification (germline): Uncertain significance (1 of 4 stars; one submission).

Conditions:
Mitochondrial complex V (ATP synthase) deficiency, nuclear type 2. Also called: Nuclear-Encoded ATPase Deficiency, TMEM70-Related; MITOCHONDRIAL COMPLEX V (ATP SYNTHASE) DEFICIENCY, TMEM70 TYPE; ENCEPHALOCARDIOMYOPATHY, MITOCHONDRIAL, NEONATAL, DUE TO ATP SYNTHASE DEFICIENCY. Identifiers: Orphanet 1194, MedGen C3279699, MONDO:0013546, OMIM 614052.

Submission:

Labcorp Genetics (formerly Invitae), Labcorp
Classification: Uncertain significance for Mitochondrial complex V (ATP synthase) deficiency, nuclear type 2. Last evaluated: 2022-05-18. Review status: criteria provided, single submitter. Criteria: Invitae Variant Classification Sherloc (09022015). Collection method: clinical testing. Allele origin: germline.
Comment: This variant has not been reported in the literature in individuals affected with TMEM70-related conditions. This sequence change replaces lysine, which is basic and polar, with asparagine, which is neutral and polar, at codon 206 of the TMEM70 protein (p.Lys206Asn). This variant is not present in population databases (gnomAD no frequency). In summary, the available evidence is currently insufficient to determine the role of this variant in disease. Therefore, it has been classified as a Variant of Uncertain Significance. Algorithms developed to predict the effect of missense changes on protein structure and function (SIFT, PolyPhen-2, Align-GVGD) all suggest that this variant is likely to be tolerated.